The following is an entry in ClinVar:

NM_001048166.1(STIL):c.3276C>T (p.Asp1092=)

Gene: STIL (STIL centriolar assembly protein; minus strand). Cytogenetic location: 1p33.
Variant type: single nucleotide variant.
Coding change: c.3276C>T on transcript NM_001048166.1 (MANE Select); coding-DNA position 3276, C replaced by T.
Protein change: p.Asp1092=; no amino-acid change (aspartic acid 1092 retained).
Molecular consequence: synonymous variant.
Genome position (GRCh38, 1-based): chr1:47,251,727, G>A on the plus strand (C>T on the coding strand, the complement: STIL is on the minus strand). VCF-style: chr1-47251727-G-A. GRCh37 (hg19) VCF-style: chr1-47717399-G-A.
Other names: c.3273C>T, p.Asp1091= (NM_001282936.1, NM_003035.2); c.3222C>T, p.Asp1074= (NM_001282937.1); c.3135C>T, p.Asp1045= (NM_001282938.1); c.3081C>T, p.Asp1027= (NM_001282939.1).
Identifiers: ClinVar variation 745882 (VCV000745882.34), dbSNP rs147478467, ClinGen allele CA841991.

ClinVar aggregate classification (germline): Likely benign. Review status: criteria provided, multiple submitters, no conflicts (2 of 4 stars). 4 submissions from 4 submitters: Likely benign (3). 1 of the submissions does not count toward it. Last evaluated 2025-10-02.

Conditions:
STIL-related disorder. Also called: STIL-related condition.

Allele frequency attached by ClinVar (database versions not stated): gnomAD 0.00028 and 0.00029; TOPMed 0.00029; ESP Exome Variant Server 0.00031; gnomAD exomes 0.00036.
gnomAD v4.1: 573 of 1,614,116 alleles (0.035%); highest among the groups gnomAD compares: Middle Eastern, 0.43%; 1 homozygote.

Submissions (4):

Labcorp Genetics (formerly Invitae), Labcorp
Classification: Likely benign. Last evaluated: 2025-10-02. Review status: criteria provided, single submitter. Criteria: Invitae Variant Classification Sherloc (09022015). Collection method: clinical testing. Allele origin: germline.

Blueprint Genetics
Classification: Likely benign. Last evaluated: 2024-11-08. Review status: criteria provided, single submitter. Criteria: ACMG Guidelines, 2015. Collection method: clinical testing. Allele origin: germline.

CeGaT Center for Human Genetics Tuebingen
Classification: Likely benign. Last evaluated: 2023-09-01. Review status: criteria provided, single submitter. Criteria: CeGaT Center For Human Genetics Tuebingen Variant Classification Criteria Version 2. Collection method: clinical testing. Allele origin: germline. Affected: yes. Observed: 1 variant allele.
Comment: STIL: BP4, BP7

PreventionGenetics, part of Exact Sciences
Classification: Likely benign for STIL-related condition. Last evaluated: 2019-09-23. Review status: no assertion criteria provided. Collection method: clinical testing. Allele origin: germline. Not counted in ClinVar's aggregate classification.
Comment: This variant is classified as likely benign based on ACMG/AMP sequence variant interpretation guidelines (Richards et al. 2015 PMID: 25741868, with internal and published modifications).